The following is an entry in ClinVar:

ClinVar aggregate classification (germline): Uncertain significance. Review status: criteria provided, multiple submitters, no conflicts (2 of 4 stars). 2 submissions from 2 submitters: Uncertain significance (2). Last evaluated 2025-05-08.

Conditions:
Jeune thoracic dystrophy. Also called: Jeune syndrome; Infantile thoracic dystrophy; Thoracic pelvic phalangeal dystrophy; Jeune's syndrome; Chondroectodermal dysplasia-like syndrome; Short-rib thoracic dysplasia. Identifiers: Orphanet 474, MedGen C0265275, MONDO:0018770.

Allele frequency attached by ClinVar (database versions not stated): gnomAD exomes below 0.00001 and 0.00001; gnomAD 0.00001; TOPMed 0.00001.
gnomAD v4.1: 7 of 1,558,280 alleles (0.00045%); highest among the groups gnomAD compares: Middle Eastern, 0.033%; no homozygotes.

Submissions (2):

Labcorp Genetics (formerly Invitae), Labcorp
Classification: Uncertain significance for Jeune thoracic dystrophy. Last evaluated: 2025-05-08. Review status: criteria provided, single submitter. Criteria: Invitae Variant Classification Sherloc (09022015). Collection method: clinical testing. Allele origin: germline.
Comment: This sequence change replaces aspartic acid, which is acidic and polar, with glycine, which is neutral and non-polar, at codon 1065 of the DYNC2H1 protein (p.Asp1065Gly). The frequency data for this variant in the population databases is considered unreliable, as metrics indicate poor data quality at this position in the gnomAD database. This variant has not been reported in the literature in individuals affected with DYNC2H1-related conditions. ClinVar contains an entry for this variant (Variation ID: 1338167). Invitae Evidence Modeling of protein sequence and biophysical properties (such as structural, functional, and spatial information, amino acid conservation, physicochemical variation, residue mobility, and thermodynamic stability) has been performed for this missense variant. However, the output from this modeling did not meet the statistical confidence thresholds required to predict the impact of this variant on DYNC2H1 protein function. In summary, the available evidence is currently insufficient to determine the role of this variant in disease. Therefore, it has been classified as a Variant of Uncertain Significance.

Genetic Services Laboratory, University of Chicago
Classification: Uncertain significance. Last evaluated: 2021-12-10. Review status: criteria provided, single submitter. Criteria: ACMG Guidelines, 2015. Collection method: clinical testing. Allele origin: germline. Affected: no.
Comment: DNA sequence analysis of the DYNC2H1 gene demonstrated a sequence change, c.3194A>G, in exon 22 that results in an amino acid change, p.Asp1065Gly. This sequence change has been described in the gnomAD database in two individuals which corresponds to a population frequency of 0.0012% (dbSNP rs1015404794). The p.Asp1065Gly change affects a highly conserved amino acid residue located in a domain of the DYNC2H1 protein that is not known to be functional. The p.Asp1065Gly substitution appears to be benign using several in-silico pathogenicity prediction tools (SIFT, PolyPhen2, Align GVGD, REVEL). This sequence change does not appear to have been previously described in individuals with DYNC2H1-related disorders. Due to insufficient evidences and the lack of functional studies, the clinical significance of the p.Asp1065Gly change remains unknown at this time.

NM_001377.3(DYNC2H1):c.3194A>G (p.Asp1065Gly)

Gene: DYNC2H1 (dynein cytoplasmic 2 heavy chain 1; plus strand). Cytogenetic location: 11q22.3.
Variant type: single nucleotide variant.
Coding change: c.3194A>G on transcript NM_001377.3 (MANE Select); coding-DNA position 3194, A replaced by G.
Protein change: p.Asp1065Gly; replaces aspartic acid 1065 with glycine.
Molecular consequence: missense variant.
Genome position (GRCh38, 1-based): chr11:103,153,400, A>G. VCF-style: chr11-103153400-A-G. GRCh37 (hg19) VCF-style: chr11-103024129-A-G.
Other names: c.3194A>G, p.Asp1065Gly (NM_001080463.2); short protein forms D1065G.
Identifiers: ClinVar variation 1338167 (VCV001338167.5), dbSNP rs1015404794, ClinGen allele CA227417511.